The following is an entry in ClinVar:

ClinVar aggregate classification (germline): Uncertain significance (1 of 4 stars; one submission).

Allele frequency attached by ClinVar (database versions not stated): gnomAD exomes below 0.00001; ExAC 0.00001; gnomAD 0.00001; TOPMed 0.00001.
gnomAD v4.1: 3 of 1,613,922 alleles (0.00019%); highest among the groups gnomAD compares: African/African-American, 0.0027%; no homozygotes.

Submission:

Labcorp Genetics (formerly Invitae), Labcorp
Classification: Uncertain significance. Last evaluated: 2025-05-11. Review status: criteria provided, single submitter. Criteria: Invitae Variant Classification Sherloc (09022015). Collection method: clinical testing. Allele origin: germline.
Comment: This sequence change falls in intron 8 of the TUBGCP6 gene. It does not directly change the encoded amino acid sequence of the TUBGCP6 protein. It affects a nucleotide within the consensus splice site. This variant is present in population databases (rs748473590, gnomAD 0.007%). This variant has not been reported in the literature in individuals affected with TUBGCP6-related conditions. ClinVar contains an entry for this variant (Variation ID: 956059). Variants that disrupt the consensus splice site are a relatively common cause of aberrant splicing (PMID: 17576681, 9536098). Algorithms developed to predict the effect of sequence changes on RNA splicing suggest that this variant may create or strengthen a splice site. In summary, the available evidence is currently insufficient to determine the role of this variant in disease. Therefore, it has been classified as a Variant of Uncertain Significance.

Literature cited by the submitters: PubMed 17576681; PubMed 9536098.

NM_020461.4(TUBGCP6):c.1693+3A>T

Gene: TUBGCP6 (tubulin gamma complex component 6; minus strand). Cytogenetic location: 22q13.33.
Variant type: single nucleotide variant.
Coding change: c.1693+3A>T on transcript NM_020461.4 (MANE Select); 3 bases into the intron after coding-DNA position 1693, A replaced by T.
Molecular consequence: intron variant.
Genome position (GRCh38, 1-based): chr22:50,226,284, T>A on the plus strand (A>T on the coding strand, the complement: TUBGCP6 is on the minus strand). VCF-style: chr22-50226284-T-A. GRCh37 (hg19) VCF-style: chr22-50664713-T-A.
Identifiers: ClinVar variation 956059 (VCV000956059.7), dbSNP rs748473590, ClinGen allele CA10308560.